The following is an entry in ClinVar:

NM_206937.2(LIG4):c.2284G>A (p.Gly762Ser)

Gene: LIG4 (DNA ligase 4; minus strand). Cytogenetic location: 13q33.3.
Variant type: single nucleotide variant.
Coding change: c.2284G>A on transcript NM_206937.2 (MANE Select); coding-DNA position 2284, G replaced by A.
Protein change: p.Gly762Ser; replaces glycine 762 with serine.
Molecular consequence: missense variant.
Genome position (GRCh38, 1-based): chr13:108,208,985, C>T on the plus strand (G>A on the coding strand, the complement: LIG4 is on the minus strand). VCF-style: chr13-108208985-C-T. GRCh37 (hg19) VCF-style: chr13-108861333-C-T.
Other names: c.2284G>A, p.Gly762Ser (NM_001098268.2, NM_001352598.2, NM_001352599.2 and 6 more transcripts); c.2083G>A, p.Gly695Ser (NM_001330595.2); c.2320G>A, p.Gly774Ser (NM_001352604.2); short protein forms G762S, G774S, G695S.
Identifiers: ClinVar variation 1505615 (VCV001505615.3), dbSNP rs751782058, ClinGen allele CA7043532.

ClinVar aggregate classification (germline): Uncertain significance (1 of 4 stars; one submission).

Conditions:
DNA ligase IV deficiency. Identifiers: Orphanet 99812, MedGen C1847827, MONDO:0011686, OMIM 606593.

Allele frequency attached by ClinVar (database versions not stated): ExAC 0.00001; TOPMed 0.00002; gnomAD 0.00003; gnomAD exomes 0.00003.
gnomAD v4.1: 54 of 1,613,984 alleles (0.0033%); highest among the groups gnomAD compares: Admixed American, 0.0067%; no homozygotes.

Submission:

Labcorp Genetics (formerly Invitae), Labcorp
Classification: Uncertain significance for DNA ligase IV deficiency. Last evaluated: 2021-11-27. Review status: criteria provided, single submitter. Criteria: Invitae Variant Classification Sherloc (09022015). Collection method: clinical testing. Allele origin: germline.
Comment: This sequence change replaces glycine, which is neutral and non-polar, with serine, which is neutral and polar, at codon 762 of the LIG4 protein (p.Gly762Ser). This variant is present in population databases (rs751782058, gnomAD 0.006%). This variant has not been reported in the literature in individuals affected with LIG4-related conditions. Algorithms developed to predict the effect of missense changes on protein structure and function are either unavailable or do not agree on the potential impact of this missense change (SIFT: "Deleterious"; PolyPhen-2: "Probably Damaging"; Align-GVGD: "Class C0"). Algorithms developed to predict the effect of sequence changes on RNA splicing suggest that this variant may create or strengthen a splice site. In summary, the available evidence is currently insufficient to determine the role of this variant in disease. Therefore, it has been classified as a Variant of Uncertain Significance.